The following is an entry in ClinVar:

ClinVar aggregate classification (germline): Uncertain significance. Review status: criteria provided, multiple submitters, no conflicts (2 of 4 stars). 2 submissions from 2 submitters: Uncertain significance (2). Last evaluated 2022-03-04.

Allele frequency attached by ClinVar (database versions not stated): ExAC 0.00002; gnomAD exomes 0.00002.
gnomAD v4.1: 7 of 1,614,122 alleles (0.00043%); highest among the groups gnomAD compares: East Asian, 0.0045%; no homozygotes.

Submissions (2):

Labcorp Genetics (formerly Invitae), Labcorp
Classification: Uncertain significance. Last evaluated: 2022-03-04. Review status: criteria provided, single submitter. Criteria: Invitae Variant Classification Sherloc (09022015). Collection method: clinical testing. Allele origin: germline.
Comment: In summary, the available evidence is currently insufficient to determine the role of this variant in disease. Therefore, it has been classified as a Variant of Uncertain Significance. Algorithms developed to predict the effect of sequence changes on RNA splicing suggest that this variant may create or strengthen a splice site. ClinVar contains an entry for this variant (Variation ID: 1310914). This variant has not been reported in the literature in individuals affected with TJP2-related conditions. This variant is present in population databases (rs780781603, gnomAD 0.009%). This sequence change affects codon 71 of the TJP2 mRNA. It is a 'silent' change, meaning that it does not change the encoded amino acid sequence of the TJP2 protein.

GeneDx
Classification: Uncertain significance. Last evaluated: 2019-12-09. Review status: criteria provided, single submitter. Criteria: GeneDx Variant Classification Process June 2021. Collection method: clinical testing. Allele origin: germline. Affected: yes.
Comment: Has not been previously published as pathogenic or benign to our knowledge; In silico analysis, which includes splice predictors and evolutionary conservation, suggests this variant may impact gene splicing. In the absence of RNA/functional studies, the actual effect of this sequence change is unknown.

NM_004817.4(TJP2):c.213G>A (p.Pro71=)

Gene: TJP2 (tight junction protein 2; plus strand). Cytogenetic location: 9q21.11.
Variant type: single nucleotide variant.
Coding change: c.213G>A on transcript NM_004817.4 (MANE Select); coding-DNA position 213, G replaced by A.
Protein change: p.Pro71=; no amino-acid change (proline 71 retained).
Molecular consequence: synonymous variant.
Genome position (GRCh38, 1-based): chr9:69,216,437, G>A. VCF-style: chr9-69216437-G-A. GRCh37 (hg19) VCF-style: chr9-71831353-G-A.
Other names: c.144G>A, p.Pro48= (NM_001170414.2, NM_001369870.1, NM_001369871.1); c.225G>A, p.Pro75= (NM_001170415.1, NM_001369874.1, NM_001369875.1); c.306G>A, p.Pro102= (NM_001170416.2); c.213G>A, p.Pro71= (NM_001369872.1, NM_001369873.1, NM_201629.3).
Identifiers: ClinVar variation 1310914 (VCV001310914.4), dbSNP rs780781603, ClinGen allele CA5072933.